The following is an entry in ClinVar:

NM_001378454.1(ALMS1):c.9869A>C (p.Asp3290Ala)

Gene: ALMS1 (ALMS1 centrosome and basal body associated protein; plus strand). Cytogenetic location: 2p13.1.
Variant type: single nucleotide variant.
Coding change: c.9869A>C on transcript NM_001378454.1 (MANE Select); coding-DNA position 9869, A replaced by C.
Protein change: p.Asp3290Ala; replaces aspartic acid 3290 with alanine.
Molecular consequence: missense variant.
Genome position (GRCh38, 1-based): chr2:73,534,911, A>C. VCF-style: chr2-73534911-A-C. GRCh37 (hg19) VCF-style: chr2-73762038-A-C.
Other names: c.9872A>C, p.Asp3291Ala (NM_015120.4); short protein forms D3290A, D3291A.
Identifiers: ClinVar variation 4988628 (VCV004988628.1).

ClinVar aggregate classification (germline): Uncertain significance (1 of 4 stars; one submission).

Conditions:
ALMS1-related disorder. Also called: ALMS1-related condition.

Submission:

PreventionGenetics, part of Exact Sciences
Classification: Uncertain significance for ALMS1-related condition. Last evaluated: 2026-06-18. Review status: criteria provided, single submitter. Criteria: ACMG Guidelines, 2015. Collection method: clinical testing. Allele origin: germline.
Comment: The ALMS1 c.9872A>C variant is predicted to result in the amino acid substitution p.Lys3291Thr. To our knowledge, this variant has not been reported in the literature. This variant is reported in 0.00088% of alleles in individuals of European (Non-Finnish) descent in gnomAD. At this time, the clinical significance of this variant is uncertain due to the absence of conclusive functional and genetic evidence.